The following is an entry in ClinVar:

NM_003107.3(SOX4):c.773C>A (p.Ser258Ter)

Gene: SOX4 (SRY-box transcription factor 4; plus strand). Cytogenetic location: 6p22.3.
Variant type: single nucleotide variant.
Coding change: c.773C>A on transcript NM_003107.3 (MANE Select); coding-DNA position 773, C replaced by A.
Protein change: p.Ser258Ter; replaces serine 258 with a stop codon.
Molecular consequence: nonsense.
Genome position (GRCh38, 1-based): chr6:21,595,307, C>A. VCF-style: chr6-21595307-C-A. GRCh37 (hg19) VCF-style: chr6-21595538-C-A.
Other names: short protein forms S258*.
Identifiers: ClinVar variation 4526979 (VCV004526979.1).

ClinVar aggregate classification (germline): Uncertain significance (1 of 4 stars; one submission).

Submission:

GeneDx
Classification: Uncertain significance. Last evaluated: 2025-04-21. Review status: criteria provided, single submitter. Criteria: GeneDx Variant Classification Process June 2021. Collection method: clinical testing. Allele origin: germline. Affected: yes.
Comment: Nonsense variant predicted to result in protein truncation as the last 217 amino acid(s) are lost; Not observed at significant frequency in large population cohorts (gnomAD); Has not been previously published as pathogenic or benign to our knowledge